The following is an entry in ClinVar:

NM_177559.3(CSNK2A1):c.572G>C (p.Arg191Pro)

Gene: CSNK2A1 (casein kinase 2 alpha 1; minus strand). Cytogenetic location: 20p13.
Variant type: single nucleotide variant.
Coding change: c.572G>C on transcript NM_177559.3 (MANE Select); coding-DNA position 572, G replaced by C.
Protein change: p.Arg191Pro; replaces arginine 191 with proline.
Molecular consequence: missense variant.
Genome position (GRCh38, 1-based): chr20:492,303, C>G on the plus strand (G>C on the coding strand, the complement: CSNK2A1 is on the minus strand). VCF-style: chr20-492303-C-G. GRCh37 (hg19) VCF-style: chr20-472947-C-G.
Other names: c.572G>C, p.Arg191Pro (NM_001362770.2, NM_001362771.2, NM_001895.4); c.164G>C, p.Arg55Pro (NM_177560.3); short protein forms R191P, R55P.
Identifiers: ClinVar variation 4294033 (VCV004294033.1).

ClinVar aggregate classification (germline): Uncertain significance (1 of 4 stars; one submission).

Conditions:
Okur-Chung neurodevelopmental syndrome (OCNDS). Identifiers: Orphanet 689422, MedGen C4310739, MONDO:0014893, OMIM 617062.

Submission:

3billion
Classification: Uncertain significance for Okur-Chung neurodevelopmental syndrome. Last evaluated: 2024-12-24. Review status: criteria provided, single submitter. Criteria: ACMG Guidelines, 2015. Collection method: clinical testing. Allele origin: germline. Affected: yes.
Comment: The variant is not observed in the gnomAD v4.1.0 dataset. Predicted Consequence/Location: Missense variant In silico tool predictions suggest damaging effect of the variant on gene or gene product [REVEL: 0.60 (>=0.6, sensitivity 0.68 and specificity 0.92); 3Cnet: 0.99 (>=0.6, sensitivity 0.72 and precision 0.9)]. A different missense change at the same codon (p.Arg191Gln) has been reported to be associated with CSNK2A1-related disorder (ClinVar ID: VCV002663860 /PMID: 29383814). However the evidence of pathogenicity is insufficient at this time. Therefore, this variant is classified as VUS according to the recommendation of ACMG/AMP guideline.

Literature cited by the submitters: PubMed 29383814.